The following is an entry in ClinVar:

NM_001009999.3(KDM1A):c.733C>G (p.Pro245Ala)

Gene: KDM1A (lysine demethylase 1A; plus strand). Cytogenetic location: 1p36.12.
Variant type: single nucleotide variant.
Coding change: c.733C>G on transcript NM_001009999.3 (MANE Select); coding-DNA position 733, C replaced by G.
Protein change: p.Pro245Ala; replaces proline 245 with alanine.
Molecular consequence: missense variant.
Genome position (GRCh38, 1-based): chr1:23,053,782, C>G. VCF-style: chr1-23053782-C-G. GRCh37 (hg19) VCF-style: chr1-23380275-C-G.
Other names: c.673C>G, p.Pro225Ala (NM_001363654.2, NM_001410763.1, NM_015013.4); c.733C>G, p.Pro245Ala (NM_001410762.1); short protein forms P245A, P225A.
Identifiers: ClinVar variation 4042186 (VCV004042186.1).

ClinVar aggregate classification (germline): Uncertain significance (1 of 4 stars; one submission).

Conditions:
Inborn genetic diseases. Identifiers: MedGen C0950123, MeSH D030342.

Submission:

Ambry Genetics
Classification: Uncertain significance for Inborn genetic diseases. Last evaluated: 2025-06-12. Review status: criteria provided, single submitter. Criteria: Ambry Variant Classification Scheme 2023. Collection method: clinical testing. Allele origin: germline.
Comment: The p.P245A variant (also known as c.733C>G), located in coding exon 5 of the KDM1A gene, results from a C to G substitution at nucleotide position 733. The proline at codon 245 is replaced by alanine, an amino acid with highly similar properties. This amino acid position is conserved. In addition, the in silico prediction for this alteration is inconclusive. Based on the available evidence, the clinical significance of this variant remains unclear.